The following is an entry in ClinVar:

ClinVar aggregate classification (germline): Likely pathogenic (1 of 4 stars; one submission).

Conditions:
Aneurysm-osteoarthritis syndrome. Also called: ANEURYSMS-OSTEOARTHRITIS SYNDROME; Loeys-Dietz syndrome, type 1C; LOEYS-DIETZ SYNDROME WITH OSTEOARTHRITIS; SMAD3-Related Loeys-Dietz Syndrome. Identifiers: Orphanet 284984, MedGen C3151087, MONDO:0013426, OMIM 613795.

Allele frequency attached by ClinVar (database versions not stated): gnomAD exomes below 0.00001.
gnomAD v4.1: 1 of 1,611,208 alleles (0.000062%); highest among the groups gnomAD compares: Non-Finnish European, 0.000085%; no homozygotes.

Submission:

Victorian Clinical Genetics Services, Murdoch Childrens Research Institute
Classification: Likely pathogenic for Aneurysm-osteoarthritis syndrome. Last evaluated: 2023-07-17. Review status: criteria provided, single submitter. Criteria: ACMG Guidelines, 2015. Collection method: clinical testing. Allele origin: germline. Inheritance: Autosomal dominant inheritance. Affected: yes.
Comment: Based on the classification scheme VCGS_Germline_v1.3.4, this variant is classified as Likely pathogenic. Following criteria are met: 0102 - Loss of function is a known mechanism of disease in this gene and is associated with Loeys-Dietz syndrome 3 (MIM#613795). Dominant negative is a suggested mechanism of disease in this gene for missense variants in the MH2 domain (PMID: 30661052). (I) 0107 - This gene is associated with autosomal dominant disease. (I) 0115 - Variants in this gene are known to have variable expressivity. Clinical features of Loeys-Dietz syndrome associated with SMAD3 are variable, and the penetrance of aortic events generally increases with age (PMIDs: 20301312, 30661052). (I) 0200 - Variant is predicted to result in a missense amino acid change from isoleucine to serine. (I) 0251 - This variant is heterozygous. (I) 0301 - Variant is absent from gnomAD (both v2 and v3). (SP) 0309 - An alternative amino acid change at the same position has been observed in gnomAD (v2) (1 heterozygote, 0 homozygotes). (I) 0501 - Missense variant consistently predicted to be damaging by multiple in silico tools or highly conserved with a major amino acid change. (SP) 0600 - Variant is located in the annotated MH1 domain (DECIPHER). (I) 0705 - No comparable missense variants have previous evidence for pathogenicity. (I) 0803 - This variant has limited previous evidence of pathogenicity in unrelated individuals. It has been reported in an individual with mild aortic root dilatation, recurrent fractures, mild facial dysmorphism, arachnodactyly, pectus excavatum, chest asymmetry and kyphoscoliosis (PMID: 35874167). Additionally, this variant has been reported in a conference abstract in two unrelated individuals with thoracic aortic aneurysm and dissection (Arno, G. et al. (2012)). (SP) 0906 - Segregation evidence for this variant is inconclusive. (I) 1002 - This variant has moderate functional evidence supporting abnormal protein function. Functional studies using HEK293 cells demonstrated this variant had loss-of-function effects, including reduction of phosphorylation and transcription factor activity compared to normal control, and reduced expression of TGF-β signaling target genes (PMID: 35874167). (SP) 1208 - Inheritance information for this variant is not currently available in this individual. (I) Legend: (SP) - Supporting pathogenic, (I) - Information, (SB) - Supporting benign

Literature cited by the submitters: PubMed 20301312; PubMed 30661052; PubMed 35874167.

NM_005902.4(SMAD3):c.200T>G (p.Ile67Ser)

Gene: SMAD3 (SMAD family member 3; plus strand). Cytogenetic location: 15q22.33.
Variant type: single nucleotide variant.
Coding change: c.200T>G on transcript NM_005902.4 (MANE Select); coding-DNA position 200, T replaced by G.
Protein change: p.Ile67Ser; replaces isoleucine 67 with serine.
Molecular consequence: missense variant.
Genome position (GRCh38, 1-based): chr15:67,066,354, T>G. VCF-style: chr15-67066354-T-G. GRCh37 (hg19) VCF-style: chr15-67358692-T-G.
Other names: c.200T>G, p.Ile67Ser (NM_001407011.1, NM_001407012.1, NM_001407013.1); short protein forms I67S.
Identifiers: ClinVar variation 3254646 (VCV003254646.1), dbSNP rs2140189193.